The following is an entry in ClinVar:

NM_006662.3(SRCAP):c.8485C>T (p.Arg2829Cys)

Gene: SRCAP (Snf2 related CREBBP activator protein; plus strand). Cytogenetic location: 16p11.2.
Variant type: single nucleotide variant.
Coding change: c.8485C>T on transcript NM_006662.3 (MANE Select); coding-DNA position 8485, C replaced by T.
Protein change: p.Arg2829Cys; replaces arginine 2829 with cysteine.
Molecular consequence: missense variant.
Genome position (GRCh38, 1-based): chr16:30,738,525, C>T. VCF-style: chr16-30738525-C-T. GRCh37 (hg19) VCF-style: chr16-30749846-C-T.
Other names: short protein forms R2829C.
Identifiers: ClinVar variation 3169855 (VCV003169855.2), dbSNP rs142523764, ClinGen allele CA8012708.

ClinVar aggregate classification (germline): Uncertain significance. Review status: criteria provided, multiple submitters, no conflicts (2 of 4 stars). 2 submissions from 2 submitters: Uncertain significance (2). Last evaluated 2025-01-21.

Conditions:
Inborn genetic diseases. Identifiers: MedGen C0950123, MeSH D030342.

gnomAD v4.1: 15 of 1,612,012 alleles (0.00093%); highest among the groups gnomAD compares: East Asian, 0.011%; no homozygotes.

Submissions (2):

Labcorp Genetics (formerly Invitae), Labcorp
Classification: Uncertain significance. Last evaluated: 2025-01-21. Review status: criteria provided, single submitter. Criteria: Invitae Variant Classification Sherloc (09022015). Collection method: clinical testing. Allele origin: germline.
Comment: This sequence change replaces arginine, which is basic and polar, with cysteine, which is neutral and slightly polar, at codon 2829 of the SRCAP protein (p.Arg2829Cys). This variant is present in population databases (rs142523764, gnomAD 0.006%). This variant has not been reported in the literature in individuals affected with SRCAP-related conditions. ClinVar contains an entry for this variant (Variation ID: 3169855). Invitae Evidence Modeling of protein sequence and biophysical properties (such as structural, functional, and spatial information, amino acid conservation, physicochemical variation, residue mobility, and thermodynamic stability) has been performed for this missense variant. However, the output from this modeling did not meet the statistical confidence thresholds required to predict the impact of this variant on SRCAP protein function. In summary, the available evidence is currently insufficient to determine the role of this variant in disease. Therefore, it has been classified as a Variant of Uncertain Significance.

Ambry Genetics
Classification: Uncertain significance for Inborn genetic diseases. Last evaluated: 2023-10-10. Review status: criteria provided, single submitter. Criteria: Ambry Variant Classification Scheme 2023. Collection method: clinical testing. Allele origin: germline.